The following is an entry in ClinVar:

ClinVar aggregate classification (germline): Uncertain significance (1 of 4 stars; one submission).

Conditions:
Neurofibromatosis, type 1 (NF1). Also called: VON RECKLINGHAUSEN DISEASE; Neurofibromatosis, type I; NEUROFIBROMATOSIS, TYPE I, SOMATIC; Peripheral type neurofibromatosis. Identifiers: Orphanet 636, MedGen C0027831, MONDO:0018975, OMIM 162200. Disease mechanism: loss of function.

Submission:

Labcorp Genetics (formerly Invitae), Labcorp
Classification: Uncertain significance for Neurofibromatosis, type 1. Last evaluated: 2024-08-05. Review status: criteria provided, single submitter. Criteria: Invitae Variant Classification Sherloc (09022015). Collection method: clinical testing. Allele origin: germline.
Comment: This sequence change replaces serine, which is neutral and polar, with proline, which is neutral and non-polar, at codon 365 of the NF1 protein (p.Ser365Pro). This variant is not present in population databases (gnomAD no frequency). This variant has not been reported in the literature in individuals affected with NF1-related conditions. ClinVar contains an entry for this variant (Variation ID: 1389690). Advanced modeling of protein sequence and biophysical properties (such as structural, functional, and spatial information, amino acid conservation, physicochemical variation, residue mobility, and thermodynamic stability) has been performed at Invitae for this missense variant, however the output from this modeling did not meet the statistical confidence thresholds required to predict the impact of this variant on NF1 protein function. In summary, the available evidence is currently insufficient to determine the role of this variant in disease. Therefore, it has been classified as a Variant of Uncertain Significance.

NM_001042492.3(NF1):c.1093T>C (p.Ser365Pro)

Gene: NF1 (neurofibromin 1; plus strand). Cytogenetic location: 17q11.2.
Variant type: single nucleotide variant.
Coding change: c.1093T>C on transcript NM_001042492.3 (MANE Select); coding-DNA position 1093, T replaced by C.
Protein change: p.Ser365Pro; replaces serine 365 with proline.
Molecular consequence: missense variant.
Genome position (GRCh38, 1-based): chr17:31,201,067, T>C. VCF-style: chr17-31201067-T-C. GRCh37 (hg19) VCF-style: chr17-29528085-T-C.
Other names: c.1093T>C, p.Ser365Pro (NM_000267.4, NM_001128147.3); short protein forms S365P.
Identifiers: ClinVar variation 1389690 (VCV001389690.6), dbSNP rs2143878749, ClinGen allele CA398996814.